The following is an entry in ClinVar:

NM_006206.6(PDGFRA):c.2244G>C (p.Arg748Ser)

Gene: PDGFRA (platelet derived growth factor receptor alpha; plus strand). Cytogenetic location: 4q12.
Variant type: single nucleotide variant.
Coding change: c.2244G>C on transcript NM_006206.6 (MANE Select); coding-DNA position 2244, G replaced by C.
Protein change: p.Arg748Ser; replaces arginine 748 with serine.
Molecular consequence: missense variant.
Genome position (GRCh38, 1-based): chr4:54,280,403, G>C. VCF-style: chr4-54280403-G-C. GRCh37 (hg19) VCF-style: chr4-55146570-G-C.
Other names: c.2244G>C, p.Arg748Ser (NM_001347827.2, NM_001347829.2); c.2319G>C, p.Arg773Ser (NM_001347828.2); c.2283G>C, p.Arg761Ser (NM_001347830.2); short protein forms R761S, R748S, R773S.
Identifiers: ClinVar variation 3930192 (VCV003930192.1).
Genomic context (GRCh38, chr4:54,280,403, plus strand): 5'-TGGTGACTACATGGACATGAAGCAGGCTGATACTACACAGTATGTCCCCATGCTAGAAAG[G>C]AAAGAGGTTTCTAAATATTCCGACATCCAGAGATCACTCTATGATCGTCCAGCCTCATAT-3'
Protein context (NP_006197.1, residues 738-758): DTTQYVPMLE[Arg748Ser]KEVSKYSDIQ

ClinVar aggregate classification (germline): Uncertain significance (1 of 4 stars; one submission).

Conditions:
Hereditary cancer-predisposing syndrome. Also called: Tumor predisposition; Hereditary neoplastic syndrome; Hereditary Cancer Syndrome; Neoplastic Syndromes, Hereditary. Identifiers: Orphanet 140162, MedGen C0027672, MeSH D009386, MONDO:0015356.

Submission:

Ambry Genetics
Classification: Uncertain significance for Hereditary cancer-predisposing syndrome. Last evaluated: 2025-03-26. Review status: criteria provided, single submitter. Criteria: Ambry Variant Classification Scheme 2023. Collection method: clinical testing. Allele origin: germline.
Comment: The p.R748S variant (also known as c.2244G>C), located in coding exon 15 of the PDGFRA gene, results from a G to C substitution at nucleotide position 2244. The arginine at codon 748 is replaced by serine, an amino acid with dissimilar properties. This amino acid position is conserved. In addition, the in silico prediction for this alteration is inconclusive. Based on the available evidence, the clinical significance of this variant remains unclear.